The following is an entry in ClinVar:

NM_002055.5(GFAP):c.649C>T (p.Arg217Ter)

Gene: GFAP (glial fibrillary acidic protein; minus strand). Cytogenetic location: 17q21.31.
Variant type: single nucleotide variant.
Coding change: c.649C>T on transcript NM_002055.5 (MANE Select); coding-DNA position 649, C replaced by T.
Protein change: p.Arg217Ter; replaces arginine 217 with a stop codon.
Molecular consequence: nonsense.
Genome position (GRCh38, 1-based): chr17:44,913,400, G>A on the plus strand (C>T on the coding strand, the complement: GFAP is on the minus strand). VCF-style: chr17-44913400-G-A. GRCh37 (hg19) VCF-style: chr17-42990768-G-A.
Other names: c.649C>T, p.Arg217Ter (NM_001131019.3, NM_001242376.3, NM_001363846.2); short protein forms R217*.
Identifiers: ClinVar variation 2162021 (VCV002162021.4), dbSNP rs1435436960, ClinGen allele CA399845995.

ClinVar aggregate classification (germline): Uncertain significance (1 of 4 stars; one submission).

Allele frequency attached by ClinVar (database versions not stated): TOPMed below 0.00001.

Submission:

Labcorp Genetics (formerly Invitae), Labcorp
Classification: Uncertain significance. Last evaluated: 2022-03-23. Review status: criteria provided, single submitter. Criteria: Invitae Variant Classification Sherloc (09022015). Collection method: clinical testing. Allele origin: germline.
Comment: This sequence change creates a premature translational stop signal (p.Arg217*) in the GFAP gene. It is expected to result in an absent or disrupted protein product. However, the current clinical and genetic evidence is not sufficient to establish whether loss-of-function variants in GFAP cause disease. In summary, the available evidence is currently insufficient to determine the role of this variant in disease. Therefore, it has been classified as a Variant of Uncertain Significance. This variant has not been reported in the literature in individuals affected with GFAP-related conditions. This variant is present in population databases (no rsID available, gnomAD 0.007%).